The following is an entry in ClinVar:

ClinVar aggregate classification (germline): Uncertain significance (1 of 4 stars; one submission).

Submission:

Labcorp Genetics (formerly Invitae), Labcorp
Classification: Uncertain significance. Last evaluated: 2023-03-29. Review status: criteria provided, single submitter. Criteria: Invitae Variant Classification Sherloc (09022015). Collection method: clinical testing. Allele origin: germline.
Comment: This sequence change falls in intron 2 of the FH gene. It does not directly change the encoded amino acid sequence of the FH protein. It affects a nucleotide within the consensus splice site. This variant is not present in population databases (gnomAD no frequency). This variant has not been reported in the literature in individuals affected with FH-related conditions. Variants that disrupt the consensus splice site are a relatively common cause of aberrant splicing (PMID: 17576681, 9536098). Algorithms developed to predict the effect of sequence changes on RNA splicing suggest that this variant may disrupt the consensus splice site. In summary, the available evidence is currently insufficient to determine the role of this variant in disease. Therefore, it has been classified as a Variant of Uncertain Significance.

Literature cited by the submitters: PubMed 17576681; PubMed 9536098.

NM_000143.4(FH):c.267+3_267+4del

Gene: FH (fumarate hydratase; minus strand). Cytogenetic location: 1q43.
Variant type: Deletion.
Coding change: c.267+3_267+4del on transcript NM_000143.4 (MANE Select); bases 3 to 4 of the intron after coding-DNA position 267, 2 bases deleted (AA; older notation c.267+3_267+4delAA).
Molecular consequence: intron variant.
Genome position (GRCh38, 1-based): chr1:241,517,178-241,517,179, TT deleted on the plus strand (AA on the coding strand, the reverse complement: FH is on the minus strand). VCF-style (leftmost placement, unchanged base first): chr1-241517177-CTT-C. GRCh37 (hg19) VCF-style: chr1-241680477-CTT-C.
Identifiers: ClinVar variation 2837349 (VCV002837349.3), dbSNP rs2527340108, ClinGen allele CA2739274057.